The following is an entry in ClinVar:

NM_015662.3(IFT172):c.1797T>C (p.Phe599=)

Gene: IFT172 (intraflagellar transport 172; minus strand). Cytogenetic location: 2p23.3.
Variant type: single nucleotide variant.
Coding change: c.1797T>C on transcript NM_015662.3 (MANE Select); coding-DNA position 1797, T replaced by C.
Protein change: p.Phe599=; no amino-acid change (phenylalanine 599 retained).
Molecular consequence: synonymous variant.
Genome position (GRCh38, 1-based): chr2:27,465,778, A>G on the plus strand (T>C on the coding strand, the complement: IFT172 is on the minus strand). VCF-style: chr2-27465778-A-G. GRCh37 (hg19) VCF-style: chr2-27688645-A-G.
Other names: c.1797T>C (NM_015662.2); c.1731T>C, p.Phe577= (NM_001410739.1).
Identifiers: ClinVar variation 2930722 (VCV002930722.4), dbSNP rs753790065, ClinGen allele CA1580535.

ClinVar aggregate classification (germline): Likely benign. Review status: criteria provided, single submitter (1 of 4 stars). 2 submissions from 2 submitters: Likely benign (1). 1 of the submissions does not count toward it. Last evaluated 2024-02-12.

Conditions:
Retinitis pigmentosa 71 (RP71). Identifiers: Orphanet 791, MedGen C4225342, MONDO:0014618, OMIM 616394.
Short-rib thoracic dysplasia 10 with or without polydactyly (SRTD10). Identifiers: Orphanet 474, MedGen C3810175, MONDO:0014284, OMIM 615630.
IFT172-related disorder. Also called: IFT172-related disorders; IFT172-related condition.

Allele frequency attached by ClinVar (database versions not stated): ExAC 0.00002; gnomAD exomes 0.00002.
gnomAD v4.1: 32 of 1,613,956 alleles (0.002%); highest among the groups gnomAD compares: Non-Finnish European, 0.0026%; no homozygotes.

Submissions (2):

Labcorp Genetics (formerly Invitae), Labcorp
Classification: Likely benign for Retinitis pigmentosa 71; Short-rib thoracic dysplasia 10 with or without polydactyly. Last evaluated: 2024-02-12. Review status: criteria provided, single submitter. Criteria: Invitae Variant Classification Sherloc (09022015). Collection method: clinical testing. Allele origin: germline.

PreventionGenetics, part of Exact Sciences
Classification: Likely benign for IFT172-related condition. Last evaluated: 2021-01-05. Review status: no assertion criteria provided. Collection method: clinical testing. Allele origin: germline. Not counted in ClinVar's aggregate classification.
Comment: This variant is classified as likely benign based on ACMG/AMP sequence variant interpretation guidelines (Richards et al. 2015 PMID: 25741868, with internal and published modifications).